The following is an entry in ClinVar:

ClinVar aggregate classification (germline): Uncertain significance (1 of 4 stars; one submission).

Submission:

Women's Health and Genetics/Laboratory Corporation of America, LabCorp
Classification: Uncertain significance. Last evaluated: 2024-09-27. Review status: criteria provided, single submitter. Criteria: LabCorp Variant Classification Summary - May 2015. Collection method: clinical testing. Allele origin: germline.
Comment: Variant summary: GRIN2B c.565A>G (p.Thr189Ala) results in a non-conservative amino acid change located in the Receptor, ligand binding region (IPR001828) of the encoded protein sequence. Four of five in-silico tools predict a damaging effect of the variant on protein function. The variant was absent in 251176 control chromosomes. The available data on variant occurrences in the general population are insufficient to allow any conclusion about variant significance. To our knowledge, no occurrence of c.565A>G in individuals affected with Mental Retardation, Autosomal Dominant 6 and no experimental evidence demonstrating its impact on protein function have been reported. No submitters have cited clinical-significance assessments for this variant to ClinVar. Based on the evidence outlined above, the variant was classified as uncertain significance.

NM_000834.5(GRIN2B):c.565A>G (p.Thr189Ala)

Gene: GRIN2B (glutamate ionotropic receptor NMDA type subunit 2B; minus strand). Cytogenetic location: 12p13.1.
Variant type: single nucleotide variant.
Coding change: c.565A>G on transcript NM_000834.5 (MANE Select); coding-DNA position 565, A replaced by G.
Protein change: p.Thr189Ala; replaces threonine 189 with alanine.
Molecular consequence: missense variant.
Genome position (GRCh38, 1-based): chr12:13,753,762, T>C on the plus strand (A>G on the coding strand, the complement: GRIN2B is on the minus strand). VCF-style: chr12-13753762-T-C. GRCh37 (hg19) VCF-style: chr12-13906696-T-C.
Other names: c.565A>G, p.Thr189Ala (NM_001413992.1, NM_001413993.1, NM_001413994.1 and 1 more transcripts); short protein forms T189A.
Identifiers: ClinVar variation 3375151 (VCV003375151.1).